The following is an entry in ClinVar:

ClinVar aggregate classification (germline): Likely benign (1 of 4 stars; one submission).

Submission:

GeneDx
Classification: Likely benign. Last evaluated: 2017-10-27. Review status: criteria provided, single submitter. Criteria: GeneDx Variant Classification (06012015). Collection method: clinical testing. Allele origin: germline. Affected: yes.
Comment: This variant is considered likely benign or benign based on one or more of the following criteria: it is a conservative change, it occurs at a poorly conserved position in the protein, it is predicted to be benign by multiple in silico algorithms, and/or has population frequency not consistent with disease.

NM_007194.4(CHEK2):c.-36AG[1]

Gene: CHEK2 (checkpoint kinase 2; minus strand). Cytogenetic location: 22q12.1.
Variant type: Microsatellite.
Coding change: c.-36AG[1] on transcript NM_007194.4 (MANE Select); one copy of the 2-base unit AG starting at c.-36; the reference has two copies in a row; one copy, 2 bases deleted.
Molecular consequence: 5 prime UTR variant.
Genome position (GRCh38, 1-based): chr22:28,741,795-28,741,796, CT deleted on the plus strand (AG on the coding strand, the reverse complement: CHEK2 is on the minus strand); deleting any 2 consecutive bases within chr22:28,741,795-28,741,799 gives the same sequence; the position shown is the placement nearest the transcript's 3' end. VCF-style (leftmost placement, unchanged base first): chr22-28741794-ACT-A. GRCh37 (hg19) VCF-style: chr22-29137782-ACT-A.
Other names: c.-37_-36GA[1] (NM_001005735.3, NM_001349956.3, NM_145862.3); c.-814_-813GA[1] (NM_001257387.3).
Identifiers: ClinVar variation 516365 (VCV000516365.1), dbSNP rs1555936097, ClinGen allele CA658799532.